The following is an entry in ClinVar:

ClinVar aggregate classification (germline): Pathogenic/Likely pathogenic. Review status: criteria provided, multiple submitters, no conflicts (2 of 4 stars). 2 submissions from 2 submitters: Pathogenic (1); Likely pathogenic (1). Last evaluated 2025-11-18.

Conditions:
Hereditary spastic paraplegia 49 (HSAN9). Also called: Spastic paraplegia 49, autosomal recessive; TECPR2-Related Hereditary Sensory and Autonomic Neuropathy with Intellectual Disability; NEUROPATHY, HEREDITARY SENSORY AND AUTONOMIC, TYPE IX, WITH DEVELOPMENTAL DELAY. Identifiers: Orphanet 320385, MedGen C5190860, MONDO:0014016, OMIM 615031.

gnomAD v4.1: 2 of 1,613,926 alleles (0.00012%); highest among the groups gnomAD compares: African/African-American, 0.0013%; no homozygotes.

Submissions (2):

Natera, Inc.
Classification: Likely pathogenic for Autosomal recessive spastic paraplegia type 49. Last evaluated: 2025-11-18. Review status: criteria provided, single submitter. Criteria: Natera Variant Classification Schema (03/2026). Collection method: clinical testing. Allele origin: germline.
Comment: The c.3863G>A variant in TECPR2 is a nonsense variant predicted to introduce a stop codon at amino acid 1288. This variant is expected to result in nonsense mediated decay, truncation, or a dysfunctional protein product. This variant is rare in the general population with a frequency below the threshold expected for the associated phenotype(s). Given the available evidence, this variant is classified as Likely Pathogenic.

Labcorp Genetics (formerly Invitae), Labcorp
Classification: Pathogenic for Hereditary spastic paraplegia 49. Last evaluated: 2023-07-03. Review status: criteria provided, single submitter. Criteria: Invitae Variant Classification Sherloc (09022015). Collection method: clinical testing. Allele origin: germline.
Comment: For these reasons, this variant has been classified as Pathogenic. This variant has not been reported in the literature in individuals affected with TECPR2-related conditions. This variant is not present in population databases (gnomAD no frequency). This sequence change creates a premature translational stop signal (p.Trp1288*) in the TECPR2 gene. It is expected to result in an absent or disrupted protein product. Loss-of-function variants in TECPR2 are known to be pathogenic (PMID: 23176824, 25590979).

Literature cited by the submitters: PubMed 23176824 (cited by Labcorp Genetics (formerly Invitae), Labcorp); PubMed 25590979 (cited by Labcorp Genetics (formerly Invitae), Labcorp).

NM_014844.5(TECPR2):c.3863G>A (p.Trp1288Ter)

Gene: TECPR2 (tectonin beta-propeller repeat containing 2; plus strand). Cytogenetic location: 14q32.31.
Variant type: single nucleotide variant.
Coding change: c.3863G>A on transcript NM_014844.5 (MANE Select); coding-DNA position 3863, G replaced by A.
Protein change: p.Trp1288Ter; replaces tryptophan 1288 with a stop codon.
Molecular consequence: nonsense.
Genome position (GRCh38, 1-based): chr14:102,497,052, G>A. VCF-style: chr14-102497052-G-A. GRCh37 (hg19) VCF-style: chr14-102963389-G-A.
Other names: c.3863G>A (NM_014844.4); short protein forms W1288*.
Identifiers: ClinVar variation 2964701 (VCV002964701.4), dbSNP rs2504523105, ClinGen allele CA391057517.